The following is an entry in ClinVar:

NM_000535.7(PMS2):c.138T>G (p.Ser46Arg)

Gene: PMS2 (PMS1 homolog 2, mismatch repair system component; minus strand). Cytogenetic location: 7p22.1.
Variant type: single nucleotide variant.
Coding change: c.138T>G on transcript NM_000535.7 (MANE Select); coding-DNA position 138, T replaced by G.
Protein change: p.Ser46Arg; replaces serine 46 with arginine.
Molecular consequence: missense variant. On other transcripts: 5 prime UTR variant (8), non-coding transcript variant (1), intron variant (3).
Genome position (GRCh38, 1-based): chr7:6,005,917, A>C on the plus strand (T>G on the coding strand, the complement: PMS2 is on the minus strand). VCF-style: chr7-6005917-A-C. GRCh37 (hg19) VCF-style: chr7-6045548-A-C.
Other names: c.-268T>G (NM_001018040.1, NM_001322003.2, NM_001322005.2 and 11 more transcripts); c.138T>G, p.Ser46Arg (NM_001322006.2, NM_001322014.2, NM_001406868.1 and 10 more transcripts); c.-78T>G (NM_001322007.2, NM_001406876.1, NM_001406883.1 and 4 more transcripts); c.-747T>G (NM_001322011.2, NM_001322012.2); c.-347T>G (NM_001322015.2, NM_001406875.1, NM_001406877.1 and 2 more transcripts); c.324T>G, p.Ser108Arg (NM_001406866.1); c.-294T>G (NM_001406880.1); c.-215T>G (NM_001406888.1, NM_001406889.1, NM_001406892.1 and 5 more transcripts); and 4 more; short protein forms S46R, S108R.
Identifiers: ClinVar variation 1771527 (VCV001771527.2), dbSNP rs2128844241, ClinGen allele CA366744989.

ClinVar aggregate classification (germline): Uncertain significance (1 of 4 stars; one submission).

Conditions:
Hereditary cancer-predisposing syndrome. Also called: Hereditary Cancer Syndrome; Hereditary neoplastic syndrome; Neoplastic Syndromes, Hereditary; Tumor predisposition. Identifiers: Orphanet 140162, MedGen C0027672, MeSH D009386, MONDO:0015356.

Submission:

Ambry Genetics
Classification: Uncertain significance for Hereditary cancer-predisposing syndrome. Last evaluated: 2021-06-16. Review status: criteria provided, single submitter. Criteria: Ambry Variant Classification Scheme 2023. Collection method: clinical testing. Allele origin: germline.
Comment: The p.S46R variant (also known as c.138T>G), located in coding exon 2 of the PMS2 gene, results from a T to G substitution at nucleotide position 138. The serine at codon 46 is replaced by arginine, an amino acid with dissimilar properties. This amino acid position is highly conserved in available vertebrate species. In addition, this alteration is predicted to be deleterious by in silico analysis. Since supporting evidence is limited at this time, the clinical significance of this alteration remains unclear.